The following is an entry in ClinVar:

NM_001298.3(CNGA3):c.541T>C (p.Tyr181His)

Gene: CNGA3 (cyclic nucleotide gated channel subunit alpha 3; plus strand). Cytogenetic location: 2q11.2.
Variant type: single nucleotide variant.
Coding change: c.541T>C on transcript NM_001298.3 (MANE Select); coding-DNA position 541, T replaced by C.
Protein change: p.Tyr181His; replaces tyrosine 181 with histidine.
Molecular consequence: missense variant.
Genome position (GRCh38, 1-based): chr2:98,389,749, T>C. VCF-style: chr2-98389749-T-C. GRCh37 (hg19) VCF-style: chr2-99006212-T-C.
Other names: c.487T>C, p.Tyr163His (NM_001079878.2); short protein forms Y163H, Y181H.
Identifiers: ClinVar variation 2025219 (VCV002025219.4), dbSNP rs2467010841, ClinGen allele CA347831598.

ClinVar aggregate classification (germline): Likely pathogenic (1 of 4 stars; one submission).

Submission:

Labcorp Genetics (formerly Invitae), Labcorp
Classification: Likely pathogenic. Last evaluated: 2022-08-20. Review status: criteria provided, single submitter. Criteria: Invitae Variant Classification Sherloc (09022015). Collection method: clinical testing. Allele origin: germline.
Comment: This sequence change replaces tyrosine, which is neutral and polar, with histidine, which is basic and polar, at codon 181 of the CNGA3 protein (p.Tyr181His). In summary, the currently available evidence indicates that the variant is pathogenic, but additional data are needed to prove that conclusively. Therefore, this variant has been classified as Likely Pathogenic. This variant disrupts the p.Tyr181 amino acid residue in CNGA3. Other variant(s) that disrupt this residue have been determined to be pathogenic (PMID: 11536077, 15980212, 17693388, 31237654). This suggests that this residue is clinically significant, and that variants that disrupt this residue are likely to be disease-causing. Advanced modeling of protein sequence and biophysical properties (such as structural, functional, and spatial information, amino acid conservation, physicochemical variation, residue mobility, and thermodynamic stability) performed at Invitae indicates that this missense variant is expected to disrupt CNGA3 protein function. This variant has not been reported in the literature in individuals affected with CNGA3-related conditions. This variant is not present in population databases (gnomAD no frequency).

Literature cited by the submitters: PubMed 11536077; PubMed 15980212; PubMed 17693388; PubMed 31237654.